The following is an entry in ClinVar:

NM_001369369.1(FOXN1):c.1459_1460del (p.Thr487fs)

Gene: FOXN1 (forkhead box N1; plus strand). Cytogenetic location: 17q11.2.
Variant type: Deletion.
Coding change: c.1459_1460del on transcript NM_001369369.1 (MANE Select); coding-DNA positions 1459 to 1460, 2 bases deleted (AC; older notation c.1459_1460delAC).
Protein change: p.Thr487fs; shifts the reading frame from threonine 487.
Molecular consequence: frameshift variant.
Genome position (GRCh38, 1-based): chr17:28,535,030-28,535,031, AC deleted; deleting any 2 consecutive bases within chr17:28,535,029-28,535,031 gives the same sequence; the c. name uses the placement nearest the transcript's 3' end. VCF-style (leftmost placement, unchanged base first): chr17-28535028-GCA-G. GRCh37 (hg19) VCF-style: chr17-26862046-GCA-G.
Other names: c.1459_1460del, p.Thr487fs (NM_003593.3); short protein forms T487fs.
Identifiers: ClinVar variation 1457907 (VCV001457907.6), dbSNP rs2151499311, ClinGen allele CA2573153471.
Genomic context (GRCh38, chr17:28,535,028, plus strand): 5'-GACCCCCGCAGCCATTGTTCCCACAGCCGGACGGGCACCTTGAGCTGCGGGCCCAGCCAG[GCA>G]CCCCCCAGGACTCGCCTCTGCCTGCCCACACCCCACCCAGCCACAGTGCCAAGCTACTGG-3'

ClinVar aggregate classification (germline): Pathogenic (1 of 4 stars; one submission).

Conditions:
T-cell immunodeficiency, congenital alopecia, and nail dystrophy. Also called: Congenital alopecia and nail dystrophy associated with severe functional T-cell immunodeficiency; Pignata Guarino syndrome. Identifiers: Orphanet 169095, MedGen C1866426, MONDO:0011132, OMIM 601705.

Submission:

Labcorp Genetics (formerly Invitae), Labcorp
Classification: Pathogenic for T-cell immunodeficiency, congenital alopecia, and nail dystrophy. Last evaluated: 2021-09-05. Review status: criteria provided, single submitter. Criteria: Invitae Variant Classification Sherloc (09022015). Collection method: clinical testing. Allele origin: germline.
Comment: This variant disrupts a region of the FOXN1 protein in which other variant(s) (p.Gln489Argfs*61) have been determined to be pathogenic (PMID: 31566583). This suggests that this is a clinically significant region of the protein, and that variants that disrupt it are likely to be disease-causing. For these reasons, this variant has been classified as Pathogenic. This variant has not been reported in the literature in individuals affected with FOXN1-related conditions. This sequence change creates a premature translational stop signal (p.Thr487Profs*41) in the FOXN1 gene. While this is not anticipated to result in nonsense mediated decay, it is expected to disrupt the last 162 amino acid(s) of the FOXN1 protein. This variant is not present in population databases (ExAC no frequency).

Literature cited by the submitters: PubMed 31566583.